The following is an entry in ClinVar:

NM_004186.5(SEMA3F):c.1612G>A (p.Val538Met)

Gene: SEMA3F (semaphorin 3F; plus strand). Cytogenetic location: 3p21.31.
Variant type: single nucleotide variant.
Coding change: c.1612G>A on transcript NM_004186.5 (MANE Select); coding-DNA position 1612, G replaced by A.
Protein change: p.Val538Met; replaces valine 538 with methionine.
Molecular consequence: missense variant.
Genome position (GRCh38, 1-based): chr3:50,185,913, G>A. VCF-style: chr3-50185913-G-A. GRCh37 (hg19) VCF-style: chr3-50223346-G-A.
Other names: c.1315G>A, p.Val439Met (NM_001318798.2); c.1519G>A, p.Val507Met (NM_001318800.2); short protein forms V439M, V507M, V538M.
Identifiers: ClinVar variation 3351848 (VCV003351848.1).
Genomic context (GRCh38, chr3:50,185,913, plus strand): 5'-GGACAGGAACTGACAAGGCCCTACCCTTTGCCCCAGCAACAACTCTACGTGGCGTCAGCC[G>A]TGGGTGTCACACACCTGAGCCTGCACCGCTGCCAGGCGTATGGGGCTGCCTGTGCTGACT-3'
Protein context (NP_004177.3, residues 528-548): KRQQLYVASA[Val538Met]GVTHLSLHRC

ClinVar aggregate classification (germline): Uncertain significance (0 of 4 stars; one submission).

Conditions:
SEMA3F-related disorder. Also called: SEMA3F-related condition.

gnomAD v4.1: 25 of 1,613,152 alleles (0.0015%); highest among the groups gnomAD compares: African/African-American, 0.011%; no homozygotes.

Submission:

PreventionGenetics, part of Exact Sciences
Classification: Uncertain significance for SEMA3F-related condition. Last evaluated: 2024-09-11. Review status: no assertion criteria provided. Collection method: clinical testing. Allele origin: germline.
Comment: The SEMA3F c.1612G>A variant is predicted to result in the amino acid substitution p.Val538Met. To our knowledge, this variant has not been reported in the literature. This variant is reported in 0.012% of alleles in individuals of Latino descent in gnomAD. At this time, the clinical significance of this variant is uncertain due to the absence of conclusive functional and genetic evidence.